The following is an entry in ClinVar:

ClinVar aggregate classification (germline): Uncertain significance (1 of 4 stars; one submission).

Conditions:
Microphthalmia, isolated, with coloboma 6 (MCOPCB6). Also called: Microphthalmia with coloboma 6, digenic; Microphthalmia with coloboma 6; MICROPHTHALMIA/COLOBOMA 6. Identifiers: Orphanet 98938, MedGen C3150968, MONDO:0013376, OMIM 613703.
Leber congenital amaurosis 17 (LCA17). Identifiers: Orphanet 65, MedGen C3715164, MONDO:0014145, OMIM 615360.
Klippel-Feil syndrome 1, autosomal dominant (KFS1). Also called: CERVICAL VERTEBRAL FUSION, AUTOSOMAL DOMINANT. Identifiers: Orphanet 2345, MedGen C1861689, MONDO:0007306, OMIM 118100.
Isolated microphthalmia 4. Identifiers: Orphanet 2542, MedGen C2751307, MONDO:0013130, OMIM 613094.

Allele frequency attached by ClinVar (database versions not stated): gnomAD 0.00001.
gnomAD v4.1: 2 of 1,613,010 alleles (0.00012%); highest among the groups gnomAD compares: Admixed American, 0.0017%; no homozygotes.

Submission:

Labcorp Genetics (formerly Invitae), Labcorp
Classification: Uncertain significance for Isolated microphthalmia 4; Leber congenital amaurosis 17; Klippel-Feil syndrome 1, autosomal dominant; Microphthalmia, isolated, with coloboma 6. Last evaluated: 2025-06-04. Review status: criteria provided, single submitter. Criteria: Invitae Variant Classification Sherloc (09022015). Collection method: clinical testing. Allele origin: germline.
Comment: This sequence change replaces proline, which is neutral and non-polar, with arginine, which is basic and polar, at codon 75 of the GDF6 protein (p.Pro75Arg). This variant is not present in population databases (gnomAD no frequency). This variant has not been reported in the literature in individuals affected with GDF6-related conditions. ClinVar contains an entry for this variant (Variation ID: 1058818). An algorithm developed to predict the effect of missense changes on protein structure and function (PolyPhen-2) suggests that this variant is likely to be tolerated. In summary, the available evidence is currently insufficient to determine the role of this variant in disease. Therefore, it has been classified as a Variant of Uncertain Significance.

NM_001001557.4(GDF6):c.224C>G (p.Pro75Arg)

Gene: GDF6 (growth differentiation factor 6; minus strand). Cytogenetic location: 8q22.1.
Variant type: single nucleotide variant.
Coding change: c.224C>G on transcript NM_001001557.4 (MANE Select); coding-DNA position 224, C replaced by G.
Protein change: p.Pro75Arg; replaces proline 75 with arginine.
Molecular consequence: missense variant.
Genome position (GRCh38, 1-based): chr8:96,160,469, G>C on the plus strand (C>G on the coding strand, the complement: GDF6 is on the minus strand). VCF-style: chr8-96160469-G-C. GRCh37 (hg19) VCF-style: chr8-97172697-G-C.
Other names: short protein forms P75R.
Identifiers: ClinVar variation 1058818 (VCV001058818.9), dbSNP rs1378920942, ClinGen allele CA371753691.